The following is an entry in ClinVar:

NM_001367624.2(ZNF469):c.763C>T (p.Pro255Ser)

Gene: ZNF469 (zinc finger protein 469; plus strand). Cytogenetic location: 16q24.2.
Variant type: single nucleotide variant.
Coding change: c.763C>T on transcript NM_001367624.2 (MANE Select); coding-DNA position 763, C replaced by T.
Protein change: p.Pro255Ser; replaces proline 255 with serine.
Molecular consequence: missense variant.
Genome position (GRCh38, 1-based): chr16:88,428,233, C>T. VCF-style: chr16-88428233-C-T. GRCh37 (hg19) VCF-style: chr16-88494641-C-T.
Other names: NM_001127464.1:c.763C>T; short protein forms P255S.
Identifiers: ClinVar variation 1759928 (VCV001759928.2), dbSNP rs1668448742, ClinGen allele CA397061905.
Genomic context (GRCh38, chr16:88,428,233, plus strand): 5'-TGGCCTCCCGCTGCTGAGAATAGCTTCCCAGGTGCTAATTTCGGGGTTCCCCCCGCCGAG[C>T]CGGAACCTATTCCCAAAGGCAGCAGGCCCGGCGGCAGCCCCAGGGGAGTTTCCTTCCAGT-3'
Protein context (NP_001354553.1, residues 245-265): GANFGVPPAE[Pro255Ser]EPIPKGSRPG

ClinVar aggregate classification (germline): Uncertain significance (1 of 4 stars; one submission).

Conditions:
Cardiovascular phenotype. Identifiers: MedGen CN230736.

Allele frequency attached by ClinVar (database versions not stated): TOPMed below 0.00001; gnomAD 0.00001.

Submission:

Ambry Genetics
Classification: Uncertain significance for Cardiovascular phenotype. Last evaluated: 2020-04-22. Review status: criteria provided, single submitter. Criteria: Ambry Variant Classification Scheme 2023. Collection method: clinical testing. Allele origin: germline.
Comment: The p.P255S variant (also known as c.763C>T), located in coding exon 1 of the ZNF469 gene, results from a C to T substitution at nucleotide position 763. The proline at codon 255 is replaced by serine, an amino acid with similar properties. This amino acid position is not well conserved in available vertebrate species, and serine is the reference amino acid in other vertebrate species. In addition, this alteration is predicted to be tolerated by in silico analysis. Since supporting evidence is limited at this time, the clinical significance of this alteration remains unclear.